The following is an entry in ClinVar:

ClinVar aggregate classification (germline): Uncertain significance (1 of 4 stars; one submission).

Submission:

Labcorp Genetics (formerly Invitae), Labcorp
Classification: Uncertain significance. Last evaluated: 2025-03-13. Review status: criteria provided, single submitter. Criteria: Invitae Variant Classification Sherloc (09022015). Collection method: clinical testing. Allele origin: germline.
Comment: This variant, c.253_264dup, results in the insertion of 4 amino acid(s) of the PDE4D protein (p.Pro85_Pro88dup), but otherwise preserves the integrity of the reading frame. This variant is not present in population databases (gnomAD no frequency). This variant has not been reported in the literature in individuals affected with PDE4D-related conditions. In summary, the available evidence is currently insufficient to determine the role of this variant in disease. Therefore, it has been classified as a Variant of Uncertain Significance.

NM_001104631.2(PDE4D):c.253_264dup (p.Pro88_Gly89insProProProPro)

Gene: PDE4D (phosphodiesterase 4D; minus strand). Cytogenetic location: 5q12.1.
Variant type: Duplication.
Coding change: c.253_264dup on transcript NM_001104631.2 (MANE Select); coding-DNA positions 253 to 264, 12 bases duplicated (CCGCCGCCGCCC).
Protein change: p.Pro88_Gly89insProProProPro.
Molecular consequence: intron variant (on NM_001364599.1).
Genome position (GRCh38, 1-based): chr5:59,893,359-59,893,370, GGGCGGCGGCGG duplicated on the plus strand (CCGCCGCCGCCC on the coding strand, the reverse complement: PDE4D is on the minus strand); duplicating any 12 consecutive bases within chr5:59,893,359-59,893,380 gives the same sequence; the c. name uses the placement nearest the transcript's 3' end. VCF-style (leftmost placement, unchanged base first): chr5-59893358-C-CGGGCGGCGGCGG. GRCh37 (hg19) VCF-style: chr5-59189185-C-CGGGCGGCGGCGG.
Other names: c.272+95118_272+95129dup (NM_001364599.1, NM_001165899.2, NM_001364600.2); c.-240+95118_-240+95129dup (NM_001349243.2); c.242+95118_242+95129dup (NM_001349241.2).
Identifiers: ClinVar variation 4776925 (VCV004776925.1).